The following is an entry in ClinVar:

ClinVar aggregate classification (germline): Likely benign. Review status: criteria provided, multiple submitters, no conflicts (2 of 4 stars). 3 submissions from 3 submitters: Likely benign (3). Last evaluated 2026-08-09.

Conditions:
Tuberous sclerosis 2 (TSC2). Identifiers: Orphanet 805, MedGen C1860707, MONDO:0013199, OMIM 613254.
Tuberous sclerosis syndrome (TSC). Also called: Tuberous sclerosis; Tuberous Sclerosis Complex. Identifiers: Orphanet 805, MedGen C0041341, MONDO:0001734.
Hereditary cancer-predisposing syndrome. Also called: Neoplastic Syndromes, Hereditary; Tumor predisposition; Hereditary Cancer Syndrome; Hereditary neoplastic syndrome. Identifiers: Orphanet 140162, MedGen C0027672, MeSH D009386, MONDO:0015356.

Allele frequency attached by ClinVar (database versions not stated): TOPMed below 0.00001.

Submissions (3):

Ambry Genetics
Classification: Likely benign for Hereditary cancer-predisposing syndrome. Last evaluated: 2026-08-09. Review status: criteria provided, single submitter. Criteria: Ambry Variant Classification Scheme 2023. Collection method: clinical testing. Allele origin: germline.

Labcorp Genetics (formerly Invitae), Labcorp
Classification: Likely benign for Tuberous sclerosis 2. Last evaluated: 2025-05-07. Review status: criteria provided, single submitter. Criteria: Invitae Variant Classification Sherloc (09022015). Collection method: clinical testing. Allele origin: germline.

All of Us Research Program, National Institutes of Health
Classification: Likely benign for Tuberous sclerosis syndrome. Last evaluated: 2023-10-23. Review status: criteria provided, single submitter. Criteria: ACMG Guidelines, 2015. Collection method: clinical testing. Allele origin: germline. Inheritance: Autosomal dominant inheritance. Observed: 1 variant allele, 1 heterozygote.
Comment: This study involves interpretation of variants in research participants for the purpose of population health screening. Participant phenotype was not available at the time of variant classification. Additional details can be found in publication PMID: 35346344, PMCID: PMC8962531

NM_000548.5(TSC2):c.243C>G (p.Leu81=)

Gene: TSC2 (TSC complex subunit 2; plus strand). Cytogenetic location: 16p13.3.
Variant type: single nucleotide variant.
Coding change: c.243C>G on transcript NM_000548.5 (MANE Select); coding-DNA position 243, C replaced by G.
Protein change: p.Leu81=; no amino-acid change (leucine 81 retained).
Molecular consequence: synonymous variant. On other transcripts: intron variant (2).
Genome position (GRCh38, 1-based): chr16:2,053,359, C>G. VCF-style: chr16-2053359-C-G. GRCh37 (hg19) VCF-style: chr16-2103360-C-G.
Other names: c.243C>G, p.Leu81= (NM_001077183.3, NM_001114382.3, NM_001363528.2 and 3 more transcripts); c.96C>G, p.Leu32= (NM_001318829.2); c.276C>G, p.Leu92= (NM_001318832.2); c.226-937C>G (NM_001318827.2); c.-1-2837C>G (NM_001318831.2); c.243C>G (NM_000548.3).
Identifiers: ClinVar variation 1082909 (VCV001082909.11), dbSNP rs751068235, ClinGen allele CA039060.